The following is an entry in ClinVar:

ClinVar aggregate classification (germline): Likely benign. Review status: criteria provided, multiple submitters, no conflicts (2 of 4 stars). 3 submissions from 3 submitters: Likely benign (3). Last evaluated 2018-08-20.

Conditions:
Weill-Marchesani syndrome. Also called: WM Syndrome; Mesodermal dysmorphodystrophy congenital. Identifiers: Orphanet 3449, MedGen C0265313, MONDO:0018096.

Allele frequency attached by ClinVar (database versions not stated): 1000 Genomes Project 0.00659; 1000 Genomes Project 30x 0.00781; TOPMed 0.00966; gnomAD 0.00991 and 0.00994; gnomAD exomes 0.01167.
gnomAD v4.1: 6,831 of 604,506 alleles (1.1%); highest among the groups gnomAD compares: Middle Eastern, 2.2%; 52 homozygotes.

Submissions (3):

GeneDx
Classification: Likely benign. Last evaluated: 2018-08-20. Review status: criteria provided, single submitter. Criteria: GeneDx Variant Classification Process June 2021. Collection method: clinical testing. Allele origin: germline. Affected: yes.

Illumina Laboratory Services, Illumina
Classification: Likely benign for Weill-Marchesani syndrome. Last evaluated: 2018-01-12. Review status: criteria provided, single submitter. Criteria: ICSL Variant Classification Criteria 13 December 2019. Collection method: clinical testing. Allele origin: germline.
Comment: This variant was observed in the ICSL laboratory as part of a predisposition screen in an ostensibly healthy population. It had not been previously curated by ICSL or reported in the Human Gene Mutation Database (HGMD: prior to June 1st, 2018), and was therefore a candidate for classification through an automated scoring system. Utilizing variant allele frequency, disease prevalence and penetrance estimates, and inheritance mode, an automated score was calculated to assess if this variant is too frequent to cause the disease. Based on the score and internal cut-off values, a variant classified as likely benign is not then subjected to further curation. The score for this variant resulted in a classification of likely benign for this disease.

Breakthrough Genomics
Classification: Likely benign. Review status: criteria provided, single submitter. Criteria: ACMG Guidelines, 2015. Collection method: not provided. Allele origin: germline. Inheritance: Autosomal recessive inheritance. Affected: yes.

NM_030957.4(ADAMTS10):c.*171G>A

Gene: ADAMTS10 (ADAM metallopeptidase with thrombospondin type 1 motif 10; minus strand). Cytogenetic location: 19p13.2.
Variant type: single nucleotide variant.
Coding change: c.*171G>A on transcript NM_030957.4 (MANE Select); 171 bases downstream of the stop codon, G replaced by A.
Molecular consequence: 3 prime UTR variant.
Genome position (GRCh38, 1-based): chr19:8,580,722, C>T on the plus strand (G>A on the coding strand, the complement: ADAMTS10 is on the minus strand). VCF-style: chr19-8580722-C-T. GRCh37 (hg19) VCF-style: chr19-8645606-C-T.
Other names: c.*171G>A (NM_001282352.2).
Identifiers: ClinVar variation 893579 (VCV000893579.7), dbSNP rs79238375, ClinGen allele CA304996295.
Genomic context (GRCh38, chr19:8,580,722, plus strand): 5'-TCTCACTATGTGAACTGGAAGGGGCGGATGCTGAAGAGGGGCTCTGGGGGGATAGCCAGC[C>T]CCTCTCCATCCCCCCAGCCAGGGCCCTGCAGGGGTTCCCAATAAATAACTTCCGGCTCCG-3'